The following is an entry in ClinVar:

ClinVar aggregate classification (germline): Conflicting classifications of pathogenicity. Review status: criteria provided, conflicting classifications (1 of 4 stars). 5 submissions from 5 submitters: Uncertain significance (1); Likely benign (2). 2 of the submissions do not count toward it. Last evaluated 2025-07-30.

Conditions:
Primary ciliary dyskinesia. Also called: Ciliary dyskinesia. Identifiers: Orphanet 244, MedGen C0008780, MONDO:0016575, HP:0012265.
DNAH5-related disorder. Also called: DNAH5-related condition.

Allele frequency attached by ClinVar (database versions not stated): gnomAD 0.00022 and 0.00024; TOPMed 0.00023; 1000 Genomes Project 30x 0.00031; ESP Exome Variant Server 0.00038; 1000 Genomes Project 0.00040; gnomAD exomes 0.00002 and 0.00008; ExAC 0.00010.
gnomAD v4.1: 69 of 1,614,058 alleles (0.0043%); highest among the groups gnomAD compares: African/African-American, 0.089%; no homozygotes.

Submissions (5):

Labcorp Genetics (formerly Invitae), Labcorp
Classification: Likely benign for Primary ciliary dyskinesia. Last evaluated: 2025-07-30. Review status: criteria provided, single submitter. Criteria: Invitae Variant Classification Sherloc (09022015). Collection method: clinical testing. Allele origin: germline.

GeneDx
Classification: Uncertain significance. Last evaluated: 2022-04-27. Review status: criteria provided, single submitter. Criteria: GeneDx Variant Classification Process June 2021. Collection method: clinical testing. Allele origin: germline. Affected: yes.
Comment: In silico analysis supports that this missense variant has a deleterious effect on protein structure/function; Has not been previously published as pathogenic or benign to our knowledge

Ambry Genetics
Classification: Likely benign for Primary ciliary dyskinesia. Last evaluated: 2021-09-21. Review status: criteria provided, single submitter. Criteria: Ambry Variant Classification Scheme 2023. Collection method: clinical testing. Allele origin: germline.

PreventionGenetics, part of Exact Sciences
Classification: Uncertain significance for DNAH5-related condition. Last evaluated: 2023-10-18. Review status: no assertion criteria provided. Collection method: clinical testing. Allele origin: germline. Not counted in ClinVar's aggregate classification.
Comment: The DNAH5 c.10435G>A variant is predicted to result in the amino acid substitution p.Ala3479Thr. To our knowledge, this variant has not been reported in the literature. This variant is reported in 0.10% of alleles in individuals of African descent in gnomAD. At this time, the clinical significance of this variant is uncertain due to the absence of conclusive functional and genetic evidence.

Natera, Inc.
Classification: Uncertain significance for Primary ciliary dyskinesia. Last evaluated: 2020-02-21. Review status: no assertion criteria provided. Collection method: clinical testing. Allele origin: germline. Not counted in ClinVar's aggregate classification.

NM_001369.3(DNAH5):c.10435G>A (p.Ala3479Thr)

Gene: DNAH5 (dynein axonemal heavy chain 5; minus strand). Cytogenetic location: 5p15.2.
Variant type: single nucleotide variant.
Coding change: c.10435G>A on transcript NM_001369.3 (MANE Select); coding-DNA position 10435, G replaced by A.
Protein change: p.Ala3479Thr; replaces alanine 3479 with threonine.
Molecular consequence: missense variant.
Genome position (GRCh38, 1-based): chr5:13,754,323, C>T on the plus strand (G>A on the coding strand, the complement: DNAH5 is on the minus strand). VCF-style: chr5-13754323-C-T. GRCh37 (hg19) VCF-style: chr5-13754432-C-T.
Other names: short protein forms A3479T.
Identifiers: ClinVar variation 936159 (VCV000936159.16), dbSNP rs143295106, ClinGen allele CA3202225.